The following is an entry in ClinVar:

NM_001083961.2(WDR62):c.4486del (p.Leu1496fs)

Gene: WDR62 (WD repeat domain 62; plus strand). Cytogenetic location: 19q13.12.
Variant type: Deletion.
Coding change: c.4486del on transcript NM_001083961.2 (MANE Select); coding-DNA position 4486, one base deleted (C; older notation c.4486delC).
Protein change: p.Leu1496fs; shifts the reading frame from leucine 1496.
Molecular consequence: frameshift variant.
Genome position (GRCh38, 1-based): chr19:36,104,942, C deleted; the last of 5 consecutive C bases (chr19:36,104,938-36,104,942); deleting any one gives the same sequence. VCF-style (leftmost placement, unchanged base first): chr19-36104937-AC-A. GRCh37 (hg19) VCF-style: chr19-36595839-AC-A.
Other names: c.4471del, p.Leu1491fs (NM_001411145.1, NM_173636.5); c.4237del, p.Leu1413fs (NM_001411146.1); c.4135del, p.Leu1379fs (NM_001411147.1); short protein forms L1379fs, L1413fs, L1491fs, L1496fs.
Identifiers: ClinVar variation 3255119 (VCV003255119.2), dbSNP rs2513806065.

ClinVar aggregate classification (germline): Conflicting classifications of pathogenicity. Review status: criteria provided, conflicting classifications (1 of 4 stars). 2 submissions from 2 submitters: Likely pathogenic (1); Uncertain significance (1). Last evaluated 2026-09-11.

Conditions:
Fetal anomalies with a likely genetic cause.
Microcephaly 2, primary, autosomal recessive, with or without cortical malformations. Also called: MICROCEPHALY 2, PRIMARY, AUTOSOMAL RECESSIVE, WITH CORTICAL MALFORMATIONS; WDR62 Primary Microcephaly. Identifiers: Orphanet 2512, MedGen C1858535, MONDO:0011435, OMIM 604317.

Submissions (2):

Genetics Laboratory, Great Ormond Street Hospital NHS Foundation Trust, North Thames Genomic Laboratory Hub
Classification: Uncertain significance for Fetal anomalies with a likely genetic cause. Last evaluated: 2026-09-11. Review status: criteria provided, single submitter. Criteria: ACGS Best Practice Guidelines for Variant Classification in Rare Disease 2024 v1.2. Collection method: clinical testing. Allele origin: germline. Affected: yes.
Comment: PM2_moderate, PVS1_moderate

Victorian Clinical Genetics Services, Murdoch Childrens Research Institute
Classification: Likely pathogenic for Microcephaly 2, primary, autosomal recessive, with or without cortical malformations. Last evaluated: 2023-07-17. Review status: criteria provided, single submitter. Criteria: ACMG Guidelines, 2015. Collection method: clinical testing. Allele origin: germline. Inheritance: Autosomal recessive inheritance. Affected: yes.
Comment: Based on the classification scheme VCGS_Germline_v1.3.4, this variant is classified as Likely Pathogenic. Following criteria are met: 0102 - Loss of function is a known mechanism of disease in this gene and is associated with microcephaly 2, primary, autosomal recessive, with or without cortical malformations (MIM#604317). (I) 0106 - This gene is associated with autosomal recessive disease. (I) 0208 - Variant is predicted to result in an elongated protein. (SP) 0252 - This variant is homozygous. (I) 0301 - Variant is absent from gnomAD (both v2 and v3). (SP) 0601 - Variant is located in the well-established functional C-terminal region. This variant alters the sequence within the third alpha helix of the C-terminal domain, which has been functionally proven to affect protein dimerization (PMID: 23341463). (SP) 0705 - No comparable elongation variants have previous evidence for pathogenicity. However, another elongation variant beginning upstream of this variant has been classified as likely pathogenic. This variant was observed in an apparently homozygous individual with microcephaly, schizencephaly, polymicrogyria, quadriparesis, global developmental delay, and epilepsy (ClinVar, personal communication). (I) 0807 - This variant has no previous evidence of pathogenicity. (I) 0905 - No published segregation evidence has been identified for this variant. (I) 1007 - No published functional evidence has been identified for this variant. (I) 1209 - This variant has been shown to be both maternally and paternally inherited (biallelic, by trio analysis). (I) Legend: (SP) - Supporting pathogenic, (I) - Information, (SB) - Supporting benign

Literature cited by the submitters: PubMed 23341463 (cited by Victorian Clinical Genetics Services, Murdoch Childrens Research Institute).